The following is an entry in ClinVar:

ClinVar aggregate classification (germline): Uncertain significance (1 of 4 stars; one submission).

Allele frequency attached by ClinVar (database versions not stated): TOPMed below 0.00001; gnomAD exomes 0.00001; ExAC 0.00002.

Submission:

Labcorp Genetics (formerly Invitae), Labcorp
Classification: Uncertain significance. Last evaluated: 2024-11-11. Review status: criteria provided, single submitter. Criteria: Invitae Variant Classification Sherloc (09022015). Collection method: clinical testing. Allele origin: germline.
Comment: This sequence change falls in intron 4 of the APRT gene. It does not directly change the encoded amino acid sequence of the APRT protein. It affects a nucleotide within the consensus splice site. This variant is present in population databases (rs753976270, gnomAD 0.006%). This variant has not been reported in the literature in individuals affected with APRT-related conditions. ClinVar contains an entry for this variant (Variation ID: 1966284). Variants that disrupt the consensus splice site are a relatively common cause of aberrant splicing (PMID: 17576681, 9536098). Algorithms developed to predict the effect of sequence changes on RNA splicing suggest that this variant is not likely to affect RNA splicing. In summary, the available evidence is currently insufficient to determine the role of this variant in disease. Therefore, it has been classified as a Variant of Uncertain Significance.

Literature cited by the submitters: PubMed 17576681; PubMed 9536098.

NM_000485.3(APRT):c.400+6G>A

Gene: APRT (adenine phosphoribosyltransferase; minus strand). Cytogenetic location: 16q24.3.
Variant type: single nucleotide variant.
Coding change: c.400+6G>A on transcript NM_000485.3 (MANE Select); 6 bases into the intron after coding-DNA position 400, G replaced by A.
Molecular consequence: intron variant.
Genome position (GRCh38, 1-based): chr16:88,810,064, C>T on the plus strand (G>A on the coding strand, the complement: APRT is on the minus strand). VCF-style: chr16-88810064-C-T. GRCh37 (hg19) VCF-style: chr16-88876472-C-T.
Other names: c.400+6G>A (NM_001030018.2).
Identifiers: ClinVar variation 1966284 (VCV001966284.5), dbSNP rs753976270, ClinGen allele CA8234423.